The following is an entry in ClinVar:

NM_004247.4(EFTUD2):c.1862T>G (p.Val621Gly)

Gene: EFTUD2 (elongation factor Tu GTP binding domain containing 2; minus strand). Cytogenetic location: 17q21.31.
Variant type: single nucleotide variant.
Coding change: c.1862T>G on transcript NM_004247.4 (MANE Select); coding-DNA position 1862, T replaced by G.
Protein change: p.Val621Gly; replaces valine 621 with glycine.
Molecular consequence: missense variant.
Genome position (GRCh38, 1-based): chr17:44,859,180, A>C on the plus strand (T>G on the coding strand, the complement: EFTUD2 is on the minus strand). VCF-style: chr17-44859180-A-C. GRCh37 (hg19) VCF-style: chr17-42936548-A-C.
Other names: c.1757T>G, p.Val586Gly (NM_001142605.2); c.1862T>G, p.Val621Gly (NM_001258353.2); c.1832T>G, p.Val611Gly (NM_001258354.2); short protein forms V611G, V586G, V621G.
Identifiers: ClinVar variation 1351452 (VCV001351452.8), dbSNP rs1307795882, ClinGen allele CA399810951.
Genomic context (GRCh38, chr17:44,859,180, plus strand): 5'-ATCACACAGTCCAGGTAGAGCTCCCCAGTGCCCAGGATCACATGCTCGCCAGACTCCTCC[A>C]CCTGAAACACAACAGGCAGTCACAGCCTGGATTCTCTTATGCCAGCAAAGGCACACACAA-3'
Protein context (NP_004238.3, residues 611-631): NKSYPSLTTK[Val621Gly]EESGEHVILG

ClinVar aggregate classification (germline): Uncertain significance (1 of 4 stars; one submission).

Allele frequency attached by ClinVar (database versions not stated): gnomAD 0.00001; TOPMed 0.00001; gnomAD exomes 0.00003.
gnomAD v4.1: 39 of 1,609,842 alleles (0.0024%); highest among the groups gnomAD compares: Non-Finnish European, 0.003%; no homozygotes.

Submission:

Labcorp Genetics (formerly Invitae), Labcorp
Classification: Uncertain significance. Last evaluated: 2025-10-26. Review status: criteria provided, single submitter. Criteria: Invitae Variant Classification Sherloc (09022015). Collection method: clinical testing. Allele origin: germline.
Comment: This sequence change replaces valine, which is neutral and non-polar, with glycine, which is neutral and non-polar, at codon 621 of the EFTUD2 protein (p.Val621Gly). This variant is present in population databases (no rsID available, gnomAD 0.007%). This variant has not been reported in the literature in individuals affected with EFTUD2-related conditions. ClinVar contains an entry for this variant (Variation ID: 1351452). An algorithm developed to predict the effect of missense changes on protein structure and function (PolyPhen-2) suggests that this variant is likely to be disruptive. In summary, the available evidence is currently insufficient to determine the role of this variant in disease. Therefore, it has been classified as a Variant of Uncertain Significance.